The following is an entry in ClinVar:

NM_006005.3(WFS1):c.2532C>T (p.Ala844=)

Gene: WFS1 (wolframin ER transmembrane glycoprotein; plus strand). Cytogenetic location: 4p16.1.
Variant type: single nucleotide variant.
Coding change: c.2532C>T on transcript NM_006005.3 (MANE Select); coding-DNA position 2532, C replaced by T.
Protein change: p.Ala844=; no amino-acid change (alanine 844 retained).
Molecular consequence: synonymous variant.
Genome position (GRCh38, 1-based): chr4:6,302,327, C>T. VCF-style: chr4-6302327-C-T. GRCh37 (hg19) VCF-style: chr4-6304054-C-T.
Other names: c.2532C>T, p.Ala844= (NM_001145853.1).
Identifiers: ClinVar variation 505131 (VCV000505131.6), dbSNP rs767155345, ClinGen allele CA2839766.

ClinVar aggregate classification (germline): Benign/Likely benign. Review status: criteria provided, multiple submitters, no conflicts (2 of 4 stars). 2 submissions from 2 submitters: Benign (1); Likely benign (1). Last evaluated 2016-06-09.

Conditions:
Wolfram syndrome 1 (WFS1). Identifiers: Orphanet 3463, MedGen C4551693, MONDO:0009101, OMIM 222300.

Allele frequency attached by ClinVar (database versions not stated): gnomAD exomes 0.00001; TOPMed 0.00001; ExAC 0.00003.
gnomAD v4.1: 5 of 1,612,370 alleles (0.00031%); highest among the groups gnomAD compares: South Asian, 0.0055%; no homozygotes.

Submissions (2):

Laboratory for Molecular Medicine, Mass General Brigham Personalized Medicine
Classification: Likely benign. Last evaluated: 2016-06-09. Review status: criteria provided, single submitter. Criteria: LMM Criteria. Collection method: clinical testing. Allele origin: germline. Observed: 2 variant alleles.
Comment: p.Ala844Ala in exon 8 of WFS1: This variant is not expected to have clinical sig nificance because it does not alter an amino acid residue and is not located wit hin the splice consensus sequence. It has been identified in 3/16486 South Asian chromosomes by the Exome Aggregation Consortium (ExAC; dbSNP rs767155345).

Clinical Genomics, Uppaluri K&H Personalized Medicine Clinic
Classification: Benign for Wolfram syndrome 1. Review status: criteria provided, single submitter. Criteria: K & H Uppaluri Personalized Medicine Clinic Variant Classification & Assertion Criteria_Updated V.1. Collection method: research. Allele origin: unknown. Inheritance: Autosomal recessive inheritance.
Comment: Potent mutations in WFS1 gene are associated with Wolfram's syndrome, an autosomal recessive condition, which cause diabetes mellitus, diabetes insipidus, deafness and optic atrophy. However no sufficient evidence is found to ascertain the role of this particular variant rs767155345 in Wolfram's syndrome yet.

Literature cited by the submitters: PubMed 20738327 (cited by Clinical Genomics, Uppaluri K&H Personalized Medicine Clinic); PubMed 33879153 (cited by Clinical Genomics, Uppaluri K&H Personalized Medicine Clinic); PubMed 12955714 (cited by Clinical Genomics, Uppaluri K&H Personalized Medicine Clinic); PubMed 18060660 (cited by Clinical Genomics, Uppaluri K&H Personalized Medicine Clinic); PubMed 20301750 (cited by Clinical Genomics, Uppaluri K&H Personalized Medicine Clinic); PubMed 17603484 (cited by Clinical Genomics, Uppaluri K&H Personalized Medicine Clinic).